The following is an entry in ClinVar:

NM_001170629.2(CHD8):c.7001G>A (p.Arg2334Gln)

Genes: CHD8 (chromodomain helicase DNA binding protein 8; minus strand), LOC126861888 (CDK7 strongly-dependent group 2 enhancer GRCh37_chr14:21859227-21860426; plus strand). Cytogenetic location: 14q11.2.
Variant type: single nucleotide variant.
Coding change: c.7001G>A on transcript NM_001170629.2 (MANE Select); coding-DNA position 7001, G replaced by A.
Protein change: p.Arg2334Gln; replaces arginine 2334 with glutamine.
Molecular consequence: missense variant.
Genome position (GRCh38, 1-based): chr14:21,391,527, C>T on the plus strand (G>A on the coding strand, the complement: CHD8 is on the minus strand). VCF-style: chr14-21391527-C-T. GRCh37 (hg19) VCF-style: chr14-21859686-C-T.
Other names: c.6164G>A, p.Arg2055Gln (NM_020920.4); c.7001G>A (NM_001170629.1); short protein forms R2055Q, R2334Q.
Identifiers: ClinVar variation 1992118 (VCV001992118.6), dbSNP rs373946888, ClinGen allele CA7090629.

ClinVar aggregate classification (germline): Conflicting classifications of pathogenicity. Review status: criteria provided, conflicting classifications (1 of 4 stars). 3 submissions from 3 submitters: Uncertain significance (1); Likely benign (1). 1 of the submissions does not count toward it. Last evaluated 2026-05-04.

Conditions:
CHD8-related disorder. Also called: CHD8-related disorders; CHD8-related condition.
Paediatric disorders.

Allele frequency attached by ClinVar (database versions not stated): ExAC 0.00002; gnomAD exomes 0.00002; gnomAD 0.00005; TOPMed 0.00005; ESP Exome Variant Server 0.00016.
gnomAD v4.1: 36 of 1,613,818 alleles (0.0022%); highest among the groups gnomAD compares: Middle Eastern, 0.13%; no homozygotes.

Submissions (3):

North West Genomic Laboratory Hub, Manchester University NHS Foundation Trust
Classification: Uncertain significance for Paediatric disorders. Last evaluated: 2026-05-04. Review status: criteria provided, single submitter. Criteria: ACGS Best Practice Guidelines for Variant Classification in Rare Disease 2024. Collection method: clinical testing. Allele origin: germline. Affected: yes.
Comment: PS2_Supp BP4_Supp

Labcorp Genetics (formerly Invitae), Labcorp
Classification: Likely benign. Last evaluated: 2024-11-05. Review status: criteria provided, single submitter. Criteria: Invitae Variant Classification Sherloc (09022015). Collection method: clinical testing. Allele origin: germline.

PreventionGenetics, part of Exact Sciences
Classification: Uncertain significance for CHD8-related condition. Last evaluated: 2024-09-04. Review status: no assertion criteria provided. Collection method: clinical testing. Allele origin: germline. Not counted in ClinVar's aggregate classification.
Comment: The CHD8 c.7001G>A variant is predicted to result in the amino acid substitution p.Arg2334Gln. To our knowledge, this variant has not been reported in the literature. This variant is reported in 0.025% of alleles in individuals of African descent in gnomAD. At this time, the clinical significance of this variant is uncertain due to the absence of conclusive functional and genetic evidence.